The following is an entry in ClinVar:

NM_001267550.2(TTN):c.83267C>T (p.Thr27756Ile)

Genes: TTN (titin; minus strand), TTN-AS1 (TTN antisense RNA 1; plus strand). Cytogenetic location: 2q31.2.
Variant type: single nucleotide variant.
Coding change: c.83267C>T on transcript NM_001267550.2 (MANE Select); coding-DNA position 83267, C replaced by T.
Protein change: p.Thr27756Ile; replaces threonine 27756 with isoleucine.
Molecular consequence: missense variant.
Genome position (GRCh38, 1-based): chr2:178,562,865, G>A on the plus strand (C>T on the coding strand, the complement: TTN is on the minus strand). VCF-style: chr2-178562865-G-A. GRCh37 (hg19) VCF-style: chr2-179427592-G-A.
Other names: c.78344C>T, p.Thr26115Ile (NM_001256850.1); c.56072C>T, p.Thr18691Ile (NM_003319.4); c.75563C>T, p.Thr25188Ile (NM_133378.4); c.56447C>T, p.Thr18816Ile (NM_133432.3); c.56648C>T, p.Thr18883Ile (NM_133437.4); short protein forms T18691I, T18816I, T18883I, T25188I, T26115I, T27756I.
Identifiers: ClinVar variation 3351996 (VCV003351996.1).

ClinVar aggregate classification (germline): Uncertain significance (0 of 4 stars; one submission).

Conditions:
TTN-related disorder. Also called: TTN-related condition; TTN-related disease; TTN-related disorders.

gnomAD v4.1: 5 of 1,613,042 alleles (0.00031%); highest among the groups gnomAD compares: Non-Finnish European, 0.00034%; no homozygotes.

Submission:

PreventionGenetics, part of Exact Sciences
Classification: Uncertain significance for TTN-related condition. Last evaluated: 2024-09-04. Review status: no assertion criteria provided. Collection method: clinical testing. Allele origin: germline.
Comment: The TTN c.83267C>T variant is predicted to result in the amino acid substitution p.Thr27756Ile. To our knowledge, this variant has not been reported in the literature. This variant is reported in 0.0027% of alleles in individuals of European (Non-Finnish) descent in gnomAD. At this time, the clinical significance of this variant is uncertain due to the absence of conclusive functional and genetic evidence.